The following is an entry in ClinVar:

NM_000179.3(MSH6):c.587G>A (p.Cys196Tyr)

Gene: MSH6 (mutS homolog 6; plus strand). Cytogenetic location: 2p16.3.
Variant type: single nucleotide variant.
Coding change: c.587G>A on transcript NM_000179.3 (MANE Select); coding-DNA position 587, G replaced by A.
Protein change: p.Cys196Tyr; replaces cysteine 196 with tyrosine.
Molecular consequence: missense variant. On other transcripts: 5 prime UTR variant (1), intron variant (2).
Genome position (GRCh38, 1-based): chr2:47,796,023, G>A. VCF-style: chr2-47796023-G-A. GRCh37 (hg19) VCF-style: chr2-48023162-G-A.
Other names: c.-316G>A (NM_001281494.2); c.-279-2588G>A (NM_001281493.2); c.238-2588G>A (NM_001281492.2); short protein forms C196Y.
Identifiers: ClinVar variation 1005192 (VCV001005192.9), dbSNP rs78939940, ClinGen allele CA346738825.

ClinVar aggregate classification (germline): Uncertain significance (1 of 4 stars; one submission).

Conditions:
Hereditary nonpolyposis colorectal neoplasms. Identifiers: MedGen C0009405, MeSH D003123.

Submission:

Labcorp Genetics (formerly Invitae), Labcorp
Classification: Uncertain significance for Hereditary nonpolyposis colorectal neoplasms. Last evaluated: 2020-08-25. Review status: criteria provided, single submitter. Criteria: Invitae Variant Classification Sherloc (09022015). Collection method: clinical testing. Allele origin: germline.
Comment: This sequence change replaces cysteine with tyrosine at codon 196 of the MSH6 protein (p.Cys196Tyr). The cysteine residue is moderately conserved and there is a large physicochemical difference between cysteine and tyrosine. This variant is not present in population databases (ExAC no frequency). This variant has not been reported in the literature in individuals with MSH6-related conditions. Algorithms developed to predict the effect of missense changes on protein structure and function are either unavailable or do not agree on the potential impact of this missense change (SIFT: "Tolerated"; PolyPhen-2: "Probably Damaging"; Align-GVGD: "Class C0"). In summary, the available evidence is currently insufficient to determine the role of this variant in disease. Therefore, it has been classified as a Variant of Uncertain Significance.